The following is an entry in ClinVar:

NM_005876.5(SPEG):c.8444C>T (p.Pro2815Leu)

Genes: ASIC4-AS1 (ASIC4 antisense RNA 1; minus strand), SPEG (striated muscle enriched protein kinase; plus strand). Cytogenetic location: 2q35.
Variant type: single nucleotide variant.
Coding change: c.8444C>T on transcript NM_005876.5 (MANE Select); coding-DNA position 8444, C replaced by T.
Protein change: p.Pro2815Leu; replaces proline 2815 with leucine.
Molecular consequence: missense variant.
Genome position (GRCh38, 1-based): chr2:219,489,462, C>T. VCF-style: chr2-219489462-C-T. GRCh37 (hg19) VCF-style: chr2-220354184-C-T.
Other names: short protein forms P2815L.
Identifiers: ClinVar variation 2143597 (VCV002143597.2), dbSNP rs201240253, ClinGen allele CA2127495.

ClinVar aggregate classification (germline): Uncertain significance (1 of 4 stars; one submission).

Allele frequency attached by ClinVar (database versions not stated): ExAC 0.00005; gnomAD 0.00006; 1000 Genomes Project 30x 0.00016; 1000 Genomes Project 0.00020.
gnomAD v4.1: 65 of 1,612,100 alleles (0.004%); highest among the groups gnomAD compares: Middle Eastern, 0.033%; no homozygotes.

Submission:

Labcorp Genetics (formerly Invitae), Labcorp
Classification: Uncertain significance. Last evaluated: 2022-02-18. Review status: criteria provided, single submitter. Criteria: Invitae Variant Classification Sherloc (09022015). Collection method: clinical testing. Allele origin: germline.
Comment: In summary, the available evidence is currently insufficient to determine the role of this variant in disease. Therefore, it has been classified as a Variant of Uncertain Significance. Algorithms developed to predict the effect of missense changes on protein structure and function output the following: SIFT: "Tolerated"; PolyPhen-2: "Benign"; Align-GVGD: "Class C0". The leucine amino acid residue is found in multiple mammalian species, which suggests that this missense change does not adversely affect protein function. This variant has not been reported in the literature in individuals affected with SPEG-related conditions. This variant is present in population databases (rs201240253, gnomAD 0.008%). This sequence change replaces proline, which is neutral and non-polar, with leucine, which is neutral and non-polar, at codon 2815 of the SPEG protein (p.Pro2815Leu).